The following is an entry in ClinVar:

ClinVar aggregate classification (germline): Conflicting classifications of pathogenicity. Review status: criteria provided, conflicting classifications (1 of 4 stars). 5 submissions from 5 submitters: Uncertain significance (3); Benign (1); Likely benign (1). Last evaluated 2025-07-27.

Conditions:
Idiopathic generalized epilepsy. Also called: Generalised epilepsy; EIG. Identifiers: MedGen C0270850, MONDO:0005579, OMIM 600669.
Hyperaldosteronism, familial, type IV (HALD4). Also called: FH IV; ALDOSTERONISM, PRIMARY, AND HYPERTENSION. Identifiers: Orphanet 642671, MedGen C4310756, MONDO:0014875, OMIM 617027.
Inborn genetic diseases. Identifiers: MedGen C0950123, MeSH D030342.
Epilepsy, childhood absence, susceptibility to, 6. Identifiers: Orphanet 64280, MedGen C2749872, MONDO:0012763, OMIM 611942.

Allele frequency attached by ClinVar (database versions not stated): gnomAD 0.00001; gnomAD exomes 0.00001; TOPMed 0.00002.
gnomAD v4.1: 18 of 1,542,046 alleles (0.0012%); highest among the groups gnomAD compares: East Asian, 0.0098%; no homozygotes.

Submissions (5):

Labcorp Genetics (formerly Invitae), Labcorp
Classification: Benign for Idiopathic generalized epilepsy; Hyperaldosteronism, familial, type IV. Last evaluated: 2025-07-27. Review status: criteria provided, single submitter. Criteria: Invitae Variant Classification Sherloc (09022015). Collection method: clinical testing. Allele origin: germline.

Women's Health and Genetics/Laboratory Corporation of America, LabCorp
Classification: Uncertain significance. Last evaluated: 2024-09-02. Review status: criteria provided, single submitter. Criteria: LabCorp Variant Classification Summary - May 2015. Collection method: clinical testing. Allele origin: germline.
Comment: Variant summary: CACNA1H c.1633G>A (p.Ala545Thr) results in a non-conservative amino acid change in the encoded protein sequence. Four of five in-silico tools predict a benign effect of the variant on protein function. The variant allele was found at a frequency of 1.5e-05 in 135432 control chromosomes. The available data on variant occurrences in the general population are insufficient to allow any conclusion about variant significance. To our knowledge, no occurrence of c.1633G>A in individuals affected with Idiopathic Generalized Epilepsy and no experimental evidence demonstrating its impact on protein function have been reported. ClinVar contains an entry for this variant (Variation ID: 1353622). Based on the evidence outlined above, the variant was classified as uncertain significance.

Blueprint Genetics
Classification: Likely benign. Last evaluated: 2022-11-17. Review status: criteria provided, single submitter. Criteria: ACMG Guidelines, 2015. Collection method: clinical testing. Allele origin: germline.

Ambry Genetics
Classification: Uncertain significance for Inborn genetic diseases. Last evaluated: 2022-05-04. Review status: criteria provided, single submitter. Criteria: Ambry Variant Classification Scheme 2023. Collection method: clinical testing. Allele origin: germline.

Fulgent Genetics
Classification: Uncertain significance for Epilepsy, childhood absence, susceptibility to, 6; Hyperaldosteronism, familial, type IV. Last evaluated: 2021-10-28. Review status: criteria provided, single submitter. Criteria: ACMG Guidelines, 2015. Collection method: clinical testing. Allele origin: unknown.

NM_021098.3(CACNA1H):c.1633G>A (p.Ala545Thr)

Gene: CACNA1H (calcium voltage-gated channel subunit alpha1 H; plus strand). Cytogenetic location: 16p13.3.
Variant type: single nucleotide variant.
Coding change: c.1633G>A on transcript NM_021098.3 (MANE Select); coding-DNA position 1633, G replaced by A.
Protein change: p.Ala545Thr; replaces alanine 545 with threonine.
Molecular consequence: missense variant.
Genome position (GRCh38, 1-based): chr16:1,202,083, G>A. VCF-style: chr16-1202083-G-A. GRCh37 (hg19) VCF-style: chr16-1252083-G-A.
Other names: c.1633G>A, p.Ala545Thr (NM_001005407.2); c.1633G>A (NM_021098.2); short protein forms A545T.
Identifiers: ClinVar variation 1353622 (VCV001353622.12), dbSNP rs902030420, ClinGen allele CA276651331.